The following is an entry in ClinVar:

NM_005450.6(NOG):c.673A>G (p.Ile225Val)

Gene: NOG (noggin; plus strand). Cytogenetic location: 17q22.
Variant type: single nucleotide variant.
Coding change: c.673A>G on transcript NM_005450.6 (MANE Select); coding-DNA position 673, A replaced by G.
Protein change: p.Ile225Val; replaces isoleucine 225 with valine.
Molecular consequence: missense variant.
Genome position (GRCh38, 1-based): chr17:56,594,896, A>G. VCF-style: chr17-56594896-A-G. GRCh37 (hg19) VCF-style: chr17-54672257-A-G.
Other names: short protein forms I225V.
Identifiers: ClinVar variation 4767001 (VCV004767001.1).

ClinVar aggregate classification (germline): Uncertain significance (1 of 4 stars; one submission).

gnomAD v4.1: 1 of 1,593,302 alleles (0.000063%); highest among the groups gnomAD compares: Non-Finnish European, 0.000085%; no homozygotes.

Submission:

Labcorp Genetics (formerly Invitae), Labcorp
Classification: Uncertain significance. Last evaluated: 2025-11-02. Review status: criteria provided, single submitter. Criteria: Invitae Variant Classification Sherloc (09022015). Collection method: clinical testing. Allele origin: germline.
Comment: This sequence change replaces isoleucine, which is neutral and non-polar, with valine, which is neutral and non-polar, at codon 225 of the NOG protein (p.Ile225Val). This variant is not present in population databases (gnomAD no frequency). This variant has not been reported in the literature in individuals affected with NOG-related conditions. An algorithm developed to predict the effect of missense changes on protein structure and function (PolyPhen-2) suggests that this variant is likely to be disruptive. In summary, the available evidence is currently insufficient to determine the role of this variant in disease. Therefore, it has been classified as a Variant of Uncertain Significance.